The following is an entry in ClinVar:

NM_018109.4(MTPAP):c.485G>A (p.Arg162His)

Gene: MTPAP (mitochondrial poly(A) polymerase; minus strand). Cytogenetic location: 10p11.23.
Variant type: single nucleotide variant.
Coding change: c.485G>A on transcript NM_018109.4 (MANE Select); coding-DNA position 485, G replaced by A.
Protein change: p.Arg162His; replaces arginine 162 with histidine.
Molecular consequence: missense variant.
Genome position (GRCh38, 1-based): chr10:30,340,296, C>T on the plus strand (G>A on the coding strand, the complement: MTPAP is on the minus strand). VCF-style: chr10-30340296-C-T. GRCh37 (hg19) VCF-style: chr10-30629225-C-T.
Other names: short protein forms R162H.
Identifiers: ClinVar variation 1917178 (VCV001917178.5), dbSNP rs138262385, ClinGen allele CA5459184.

ClinVar aggregate classification (germline): Uncertain significance (1 of 4 stars; one submission).

Allele frequency attached by ClinVar (database versions not stated): gnomAD exomes 0.00001; ExAC 0.00004; ESP Exome Variant Server 0.00008; TOPMed 0.00008.
gnomAD v4.1: 24 of 1,614,018 alleles (0.0015%); highest among the groups gnomAD compares: African/African-American, 0.021%; no homozygotes.

Submission:

Labcorp Genetics (formerly Invitae), Labcorp
Classification: Uncertain significance. Last evaluated: 2025-11-23. Review status: criteria provided, single submitter. Criteria: Invitae Variant Classification Sherloc (09022015). Collection method: clinical testing. Allele origin: germline.
Comment: This sequence change replaces arginine, which is basic and polar, with histidine, which is basic and polar, at codon 162 of the MTPAP protein (p.Arg162His). This variant is present in population databases (rs138262385, gnomAD 0.03%). This variant has not been reported in the literature in individuals affected with MTPAP-related conditions. ClinVar contains an entry for this variant (Variation ID: 1917178). Invitae Evidence Modeling of protein sequence and biophysical properties (such as structural, functional, and spatial information, amino acid conservation, physicochemical variation, residue mobility, and thermodynamic stability) indicates that this missense variant is not expected to disrupt MTPAP protein function with a negative predictive value of 80%. In summary, the available evidence is currently insufficient to determine the role of this variant in disease. Therefore, it has been classified as a Variant of Uncertain Significance.